The following is an entry in ClinVar:

ClinVar aggregate classification (germline): Uncertain significance. Review status: criteria provided, multiple submitters, no conflicts (2 of 4 stars). 2 submissions from 2 submitters: Uncertain significance (2). Last evaluated 2020-06-02.

Conditions:
Hereditary cancer-predisposing syndrome. Also called: Hereditary neoplastic syndrome; Neoplastic Syndromes, Hereditary; Hereditary Cancer Syndrome; Tumor predisposition. Identifiers: Orphanet 140162, MedGen C0027672, MeSH D009386, MONDO:0015356.
Familial cancer of breast. Also called: Hereditary breast cancer; hereditary breast carcinoma; BREAST CANCER, FAMILIAL. Identifiers: Orphanet 227535, MedGen C0346153, MONDO:0016419, OMIM 114480. Disease mechanism: loss of function.

Submissions (2):

Ambry Genetics
Classification: Uncertain significance for Hereditary cancer-predisposing syndrome. Last evaluated: 2020-06-02. Review status: criteria provided, single submitter. Criteria: Ambry Variant Classification Scheme 2023. Collection method: clinical testing. Allele origin: germline.
Comment: The p.S548P variant (also known as c.1642T>C), located in coding exon 4 of the PALB2 gene, results from a T to C substitution at nucleotide position 1642. The serine at codon 548 is replaced by proline, an amino acid with similar properties. This amino acid position is poorly conserved in available vertebrate species. In addition, this alteration is predicted to be tolerated by in silico analysis. Since supporting evidence is limited at this time, the clinical significance of this alteration remains unclear.

Labcorp Genetics (formerly Invitae), Labcorp
Classification: Uncertain significance for Familial cancer of breast. Last evaluated: 2018-09-29. Review status: criteria provided, single submitter. Criteria: Invitae Variant Classification Sherloc (09022015). Collection method: clinical testing. Allele origin: germline.
Comment: This sequence change replaces serine with proline at codon 548 of the PALB2 protein (p.Ser548Pro). The serine residue is weakly conserved and there is a moderate physicochemical difference between serine and proline. This variant is not present in population databases (ExAC no frequency). This variant has not been reported in the literature in individuals with PALB2-related disease. Algorithms developed to predict the effect of missense changes on protein structure and function (SIFT, PolyPhen-2, Align-GVGD) all suggest that this variant is likely to be tolerated, but these predictions have not been confirmed by published functional studies and their clinical significance is uncertain. In summary, the available evidence is currently insufficient to determine the role of this variant in disease. Therefore, it has been classified as a Variant of Uncertain Significance.

NM_024675.4(PALB2):c.1642T>C (p.Ser548Pro)

Gene: PALB2 (partner and localizer of BRCA2; minus strand). Cytogenetic location: 16p12.2.
Variant type: single nucleotide variant.
Coding change: c.1642T>C on transcript NM_024675.4 (MANE Select); coding-DNA position 1642, T replaced by C.
Protein change: p.Ser548Pro; replaces serine 548 with proline.
Molecular consequence: missense variant.
Genome position (GRCh38, 1-based): chr16:23,634,904, A>G on the plus strand (T>C on the coding strand, the complement: PALB2 is on the minus strand). VCF-style: chr16-23634904-A-G. GRCh37 (hg19) VCF-style: chr16-23646225-A-G.
Other names: short protein forms S548P.
Identifiers: ClinVar variation 660721 (VCV000660721.12), dbSNP rs1597095353, ClinGen allele CA395130168.